The following is an entry in ClinVar:

ClinVar aggregate classification (germline): Conflicting classifications of pathogenicity. Review status: criteria provided, conflicting classifications (1 of 4 stars). 3 submissions from 3 submitters: Likely pathogenic (2); Uncertain significance (1). Last evaluated 2026-07-27.

Conditions:
Familial cancer of breast. Also called: Hereditary breast cancer; BREAST CANCER, FAMILIAL; hereditary breast carcinoma. Identifiers: Orphanet 227535, MedGen C0346153, MONDO:0016419, OMIM 114480. Disease mechanism: loss of function.
Hereditary cancer-predisposing syndrome. Also called: Tumor predisposition; Neoplastic Syndromes, Hereditary; Hereditary Cancer Syndrome; Hereditary neoplastic syndrome. Identifiers: Orphanet 140162, MedGen C0027672, MeSH D009386, MONDO:0015356.
Ataxia-telangiectasia syndrome (AT). Also called: ATAXIA-TELANGIECTASIA, COMPLEMENTATION GROUP A; ATAXIA-TELANGIECTASIA, FRESNO VARIANT; Ataxia-telangiectasia; Ataxia-telangiectasia, complementation group D; AT, COMPLEMENTATION GROUP C; Ataxia-telangiectasia, complementation group E. Identifiers: Orphanet 100, MedGen C0004135, MONDO:0008840, OMIM 208900.

Allele frequency attached by ClinVar (database versions not stated): gnomAD exomes below 0.00001.
gnomAD v4.1: 1 of 1,614,098 alleles (0.000062%); highest among the groups gnomAD compares: South Asian, 0.0011%; no homozygotes.

Submissions (3):

Myriad Genetics, Inc.
Classification: Likely pathogenic for Familial cancer of breast. Last evaluated: 2026-07-27. Review status: criteria provided, single submitter. Criteria: Myriad Autosomal Dominant, Autosomal Recessive and X-Linked Classification Criteria (2023). Collection method: clinical testing. Allele origin: unknown.
Comment: This variant is considered likely pathogenic. Functional studies indicate this variant impacts protein function [PMID: 40580951]. This variant is expected to disrupt protein structure [Myriad internal data]. This variant has been reported in multiple individuals with clinical features of gene-specific disease [PMID: 21965147, 38917355].

Labcorp Genetics (formerly Invitae), Labcorp
Classification: Likely pathogenic for Ataxia-telangiectasia syndrome. Last evaluated: 2025-02-25. Review status: criteria provided, single submitter. Criteria: Invitae Variant Classification Sherloc (09022015). Collection method: clinical testing. Allele origin: germline.
Comment: This sequence change replaces cysteine, which is neutral and slightly polar, with arginine, which is basic and polar, at codon 2704 of the ATM protein (p.Cys2704Arg). This variant is not present in population databases (gnomAD no frequency). This missense change has been observed in individual(s) with breast cancer and/or clinical features of ataxia-telangiectasia (PMID: 21965147, 32986223). ClinVar contains an entry for this variant (Variation ID: 827462). Invitae Evidence Modeling of protein sequence and biophysical properties (such as structural, functional, and spatial information, amino acid conservation, physicochemical variation, residue mobility, and thermodynamic stability) indicates that this missense variant is expected to disrupt ATM protein function with a positive predictive value of 95%. This variant disrupts the p.Cys2704 amino acid residue in ATM. Other variant(s) that disrupt this residue have been observed in individuals with ATM-related conditions (PMID: 21965147, 26439923), which suggests that this may be a clinically significant amino acid residue. In summary, the currently available evidence indicates that the variant is pathogenic, but additional data are needed to prove that conclusively. Therefore, this variant has been classified as Likely Pathogenic.

Ambry Genetics
Classification: Uncertain significance for Hereditary cancer-predisposing syndrome. Last evaluated: 2019-05-22. Review status: criteria provided, single submitter. Criteria: Ambry Variant Classification Scheme 2023. Collection method: clinical testing. Allele origin: germline.
Comment: The p.C2704R variant (also known as c.8110T>C), located in coding exon 54 of the ATM gene, results from a T to C substitution at nucleotide position 8110. The cysteine at codon 2704 is replaced by arginine, an amino acid with highly dissimilar properties. This amino acid position is highly conserved in available vertebrate species. In addition, this alteration is predicted to be deleterious by in silico analysis. Since supporting evidence is limited at this time, the clinical significance of this alteration remains unclear.

Literature cited by the submitters: PubMed 40580951 (cited by Myriad Genetics, Inc.); PubMed 21965147 (cited by 3 submitters); PubMed 38917355 (cited by Myriad Genetics, Inc.); PubMed 32986223 (cited by Labcorp Genetics (formerly Invitae), Labcorp); PubMed 26439923 (cited by Labcorp Genetics (formerly Invitae), Labcorp).

NM_000051.4(ATM):c.8110T>C (p.Cys2704Arg)

Genes: ATM (ATM serine/threonine kinase; plus strand), C11orf65 (chromosome 11 open reading frame 65; minus strand). Cytogenetic location: 11q22.3.
Variant type: single nucleotide variant.
Coding change: c.8110T>C on transcript NM_000051.4 (MANE Select); coding-DNA position 8110, T replaced by C.
Protein change: p.Cys2704Arg; replaces cysteine 2704 with arginine.
Molecular consequence: missense variant. On other transcripts: intron variant (2).
Genome position (GRCh38, 1-based): chr11:108,335,068, T>C. VCF-style: chr11-108335068-T-C. GRCh37 (hg19) VCF-style: chr11-108205795-T-C.
Other names: c.8110T>C, p.Cys2704Arg (NM_001351834.2); c.641-25997A>G (NM_001330368.2); c.*38+152A>G (NM_001351110.2); short protein forms C2704R.
Identifiers: ClinVar variation 827462 (VCV000827462.7), dbSNP rs1591192055, ClinGen allele CA382562133.